The following is an entry in ClinVar:

ClinVar aggregate classification (germline): Likely benign (1 of 4 stars; one submission).

Allele frequency attached by ClinVar (database versions not stated): TOPMed 0.00006.
gnomAD v4.1: 19 of 1,020,846 alleles (0.0019%); highest among the groups gnomAD compares: East Asian, 0.034%; no homozygotes.

Submission:

GeneDx
Classification: Likely benign. Last evaluated: 2015-10-21. Review status: criteria provided, single submitter. Criteria: GeneDx Variant Classification (06012015). Collection method: clinical testing. Allele origin: germline. Affected: yes.
Comment: This variant is considered likely benign or benign based on one or more of the following criteria: it is a conservative change, it occurs at a poorly conserved position in the protein, it is predicted to be benign by multiple in silico algorithms, and/or has population frequency not consistent with disease.

NM_001037.5(SCN1B):c.-26G>C

Gene: SCN1B (sodium voltage-gated channel beta subunit 1; plus strand). Cytogenetic location: 19q13.11.
Variant type: single nucleotide variant.
Coding change: c.-26G>C on transcript NM_001037.5 (MANE Select); 26 bases upstream of the start codon, G replaced by C.
Molecular consequence: 5 prime UTR variant.
Genome position (GRCh38, 1-based): chr19:35,030,795, G>C. VCF-style: chr19-35030795-G-C. GRCh37 (hg19) VCF-style: chr19-35521699-G-C.
Other names: c.-26G>C (NM_199037.5).
Identifiers: ClinVar variation 379366 (VCV000379366.1), dbSNP rs1057520587, ClinGen allele CA16608195.